The following is an entry in ClinVar:

ClinVar aggregate classification (germline): Conflicting classifications of pathogenicity. Review status: criteria provided, conflicting classifications (1 of 4 stars). 4 submissions from 4 submitters: Uncertain significance (1); Likely benign (3). Last evaluated 2025-09-11.

Conditions:
Hereditary breast ovarian cancer syndrome. Also called: Hereditary breast and ovarian cancer syndrome; Hereditary breast and ovarian cancer; Hereditary breast and ovarian cancer syndrome (HBOC); Breast and ovarian cancer; Hereditary breast and/or ovarian cancer syndrome; BRCA1- and BRCA2-Associated Hereditary Breast and Ovarian Cancer. Identifiers: Orphanet 145, MedGen C0677776, MeSH D061325, MONDO:0003582. Disease mechanism: loss of function.
Breast-ovarian cancer, familial, susceptibility to, 2 (BROVCA2). Also called: BRCA2 Hereditary Breast and Ovarian Cancer. Identifiers: Orphanet 145, MedGen C2675520, MONDO:0012933, OMIM 612555. Disease mechanism: loss of function.
Hereditary cancer-predisposing syndrome. Also called: Neoplastic Syndromes, Hereditary; Tumor predisposition; Hereditary Cancer Syndrome; Hereditary neoplastic syndrome. Identifiers: Orphanet 140162, MedGen C0027672, MeSH D009386, MONDO:0015356.

Submissions (4):

Ambry Genetics
Classification: Uncertain significance for Hereditary cancer-predisposing syndrome. Last evaluated: 2025-09-11. Review status: criteria provided, single submitter. Criteria: Ambry Variant Classification Scheme 2023. Collection method: clinical testing. Allele origin: germline.
Comment: The p.K1530R variant (also known as c.4589A>G), located in coding exon 10 of the BRCA2 gene, results from an A to G substitution at nucleotide position 4589. The lysine at codon 1530 is replaced by arginine, an amino acid with highly similar properties. This amino acid position is highly conserved in available vertebrate species. In addition, the in silico prediction for this alteration is inconclusive. Based on the available evidence, the clinical significance of this variant remains unclear.

Labcorp Genetics (formerly Invitae), Labcorp
Classification: Likely benign for Hereditary breast ovarian cancer syndrome. Last evaluated: 2025-08-07. Review status: criteria provided, single submitter. Criteria: Invitae Variant Classification Sherloc (09022015). Collection method: clinical testing. Allele origin: germline.

Myriad Genetics, Inc.
Classification: Likely benign for Breast-ovarian cancer, familial, susceptibility to, 2. Last evaluated: 2023-09-28. Review status: criteria provided, single submitter. Criteria: Myriad Autosomal Dominant, Autosomal Recessive and X-Linked Classification Criteria (2023). Collection method: clinical testing. Allele origin: unknown.
Comment: This variant is considered likely benign. This variant is strongly associated with less severe personal and family histories of cancer, typical for individuals without pathogenic variants in this gene [PMID: 25085752].

University of Washington Department of Laboratory Medicine, University of Washington
Classification: Likely benign for Hereditary cancer-predisposing syndrome. Last evaluated: 2023-03-23. Review status: criteria provided, single submitter. Criteria: Dines et al. (Genet Med. 2020). Collection method: curation. Allele origin: germline.
Comment: Missense variant in a coldspot region where missense variants are very unlikely to be pathogenic (PMID:31911673).

BRCA2 exon 11 coldspot. Reclassification based on statistical prior probability.

Literature cited by the submitters: PubMed 20567915 (cited by Ambry Genetics); PubMed 25085752 (cited by Myriad Genetics, Inc.).

NM_000059.4(BRCA2):c.4589A>G (p.Lys1530Arg)

Gene: BRCA2 (BRCA2 DNA repair associated; plus strand). Cytogenetic location: 13q13.1.
Variant type: single nucleotide variant.
Coding change: c.4589A>G on transcript NM_000059.4 (MANE Select); coding-DNA position 4589, A replaced by G.
Protein change: p.Lys1530Arg; replaces lysine 1530 with arginine.
Molecular consequence: missense variant.
Genome position (GRCh38, 1-based): chr13:32,338,944, A>G. VCF-style: chr13-32338944-A-G. GRCh37 (hg19) VCF-style: chr13-32913081-A-G.
Other names: short protein forms K1530R.
Identifiers: ClinVar variation 51679 (VCV000051679.17), dbSNP rs397507730, ClinGen allele CA020502.